The following is an entry in ClinVar:

ClinVar aggregate classification (germline): Likely benign. Review status: criteria provided, multiple submitters, no conflicts (2 of 4 stars). 2 submissions from 2 submitters: Likely benign (2). Last evaluated 2026-03-04.

Conditions:
ANKS6-related disorder. Also called: ANKS6-related condition.
Nephronophthisis 16 (NPHP16). Identifiers: Orphanet 655, MedGen C3809320, MONDO:0014158, OMIM 615382.

Submissions (2):

PreventionGenetics, part of Exact Sciences
Classification: Likely benign for ANKS6-related condition. Last evaluated: 2026-03-04. Review status: criteria provided, single submitter. Criteria: ACMG Guidelines, 2015. Collection method: clinical testing. Allele origin: germline.
Comment: This variant is classified as likely benign based on ACMG/AMP sequence variant interpretation guidelines (Richards et al. 2015 PMID: 25741868, with internal and published modifications).

Labcorp Genetics (formerly Invitae), Labcorp
Classification: Likely benign for Nephronophthisis 16. Last evaluated: 2023-04-24. Review status: criteria provided, single submitter. Criteria: Invitae Variant Classification Sherloc (09022015). Collection method: clinical testing. Allele origin: germline.

NM_173551.5(ANKS6):c.24G>T (p.Pro8=)

Gene: ANKS6 (ankyrin repeat and sterile alpha motif domain containing 6; minus strand). Cytogenetic location: 9q22.33.
Variant type: single nucleotide variant.
Coding change: c.24G>T on transcript NM_173551.5 (MANE Select); coding-DNA position 24, G replaced by T.
Protein change: p.Pro8=; no amino-acid change (proline 8 retained).
Molecular consequence: synonymous variant.
Genome position (GRCh38, 1-based): chr9:98,796,468, C>A on the plus strand (G>T on the coding strand, the complement: ANKS6 is on the minus strand). VCF-style: chr9-98796468-C-A. GRCh37 (hg19) VCF-style: chr9-101558750-C-A.
Other names: c.24G>T (NM_173551.4).
Identifiers: ClinVar variation 2864536 (VCV002864536.4), dbSNP rs1481707436, ClinGen allele CA466647722.
Genomic context (GRCh38, chr9:98,796,468, plus strand): 5'-CAGCCGCCGCGCCGTCTCCGTGTCGCCCTGGTCACACGCGCGCAGCAGCAGCTGGAAGGC[C>A]GGGGGCAGCCCGCCCTCGCCCATCGCCGCCGCCACGCGCGGCCCGCTCCCGTCCGCCCCG-3'
Protein context (NP_775822.3, residues 1-18): MGEGGLP[Pro8=]AFQLLLRACD